The following is an entry in ClinVar:

NM_006767.4(LZTR1):c.2086T>A (p.Phe696Ile)

Gene: LZTR1 (leucine zipper like post translational regulator 1; plus strand). Cytogenetic location: 22q11.21.
Variant type: single nucleotide variant.
Coding change: c.2086T>A on transcript NM_006767.4 (MANE Select); coding-DNA position 2086, T replaced by A.
Protein change: p.Phe696Ile; replaces phenylalanine 696 with isoleucine.
Molecular consequence: missense variant.
Genome position (GRCh38, 1-based): chr22:20,995,979, T>A. VCF-style: chr22-20995979-T-A. GRCh37 (hg19) VCF-style: chr22-21350268-T-A.
Other names: short protein forms F696I.
Identifiers: ClinVar variation 962198 (VCV000962198.10), dbSNP rs759679943, ClinGen allele CA10119239.

ClinVar aggregate classification (germline): Uncertain significance. Review status: criteria provided, multiple submitters, no conflicts (2 of 4 stars). 2 submissions from 2 submitters: Uncertain significance (2). Last evaluated 2026-03-02.

Allele frequency attached by ClinVar (database versions not stated): gnomAD exomes below 0.00001 and 0.00001; ExAC 0.00001.
gnomAD v4.1: 2 of 1,613,764 alleles (0.00012%); highest among the groups gnomAD compares: Admixed American, 0.0033%; no homozygotes.

Submissions (2):

GeneDx
Classification: Uncertain significance. Last evaluated: 2026-03-02. Review status: criteria provided, single submitter. Criteria: GeneDx Variant Classification Process June 2021. Collection method: clinical testing. Allele origin: germline.
Comment: Not observed at significant frequency in large population cohorts (gnomAD); In silico analysis supports that this missense variant has a deleterious effect on protein structure/function; Has not been previously published as pathogenic or benign to our knowledge

Labcorp Genetics (formerly Invitae), Labcorp
Classification: Uncertain significance. Last evaluated: 2025-08-25. Review status: criteria provided, single submitter. Criteria: Invitae Variant Classification Sherloc (09022015). Collection method: clinical testing. Allele origin: germline.
Comment: This sequence change replaces phenylalanine, which is neutral and non-polar, with isoleucine, which is neutral and non-polar, at codon 696 of the LZTR1 protein (p.Phe696Ile). This variant is present in population databases (rs759679943, gnomAD 0.003%). This variant has not been reported in the literature in individuals affected with LZTR1-related conditions. ClinVar contains an entry for this variant (Variation ID: 962198). Invitae Evidence Modeling of protein sequence and biophysical properties (such as structural, functional, and spatial information, amino acid conservation, physicochemical variation, residue mobility, and thermodynamic stability) indicates that this missense variant is not expected to disrupt LZTR1 protein function with a negative predictive value of 80%. In summary, the available evidence is currently insufficient to determine the role of this variant in disease. Therefore, it has been classified as a Variant of Uncertain Significance.